The following is an entry in ClinVar:

ClinVar aggregate classification (germline): Likely benign. Review status: criteria provided, multiple submitters, no conflicts (2 of 4 stars). 2 submissions from 2 submitters: Likely benign (2). Last evaluated 2024-05-01.

Allele frequency attached by ClinVar (database versions not stated): TOPMed below 0.00001; gnomAD 0.00001; gnomAD exomes 0.00001; ExAC 0.00002.
gnomAD v4.1: 13 of 1,613,524 alleles (0.00081%); highest among the groups gnomAD compares: South Asian, 0.0033%; no homozygotes.

Submissions (2):

CeGaT Center for Human Genetics Tuebingen
Classification: Likely benign. Last evaluated: 2024-05-01. Review status: criteria provided, single submitter. Criteria: CeGaT Center For Human Genetics Tuebingen Variant Classification Criteria Version 2. Collection method: clinical testing. Allele origin: germline. Affected: yes. Observed: 2 variant alleles.
Comment: COLEC11: BP4, BP7

Labcorp Genetics (formerly Invitae), Labcorp
Classification: Likely benign. Last evaluated: 2021-12-14. Review status: criteria provided, single submitter. Criteria: Invitae Variant Classification Sherloc (09022015). Collection method: clinical testing. Allele origin: germline.

NM_024027.5(COLEC11):c.429C>T (p.Val143=)

Gene: COLEC11 (collectin subfamily member 11; plus strand). Cytogenetic location: 2p25.3.
Variant type: single nucleotide variant.
Coding change: c.429C>T on transcript NM_024027.5 (MANE Select); coding-DNA position 429, C replaced by T.
Protein change: p.Val143=; no amino-acid change (valine 143 retained).
Molecular consequence: synonymous variant. On other transcripts: non-coding transcript variant (1).
Genome position (GRCh38, 1-based): chr2:3,643,731, C>T. VCF-style: chr2-3643731-C-T. GRCh37 (hg19) VCF-style: chr2-3691321-C-T.
Other names: c.357C>T, p.Val119= (NM_001255982.2, NM_001255983.2); c.285C>T, p.Val95= (NM_001255984.2); c.471C>T, p.Val157= (NM_001255985.1); c.351C>T, p.Val117= (NM_001255986.1); c.279C>T, p.Val93= (NM_001255987.1, NM_001255988.1); c.207C>T, p.Val69= (NM_001255989.1); c.420C>T, p.Val140= (NM_199235.3).
Identifiers: ClinVar variation 1917565 (VCV001917565.29), dbSNP rs755830142, ClinGen allele CA1517069.